The following is an entry in ClinVar:

ClinVar aggregate classification (germline): Uncertain significance (1 of 4 stars; one submission).

Submission:

Labcorp Genetics (formerly Invitae), Labcorp
Classification: Uncertain significance. Last evaluated: 2024-01-22. Review status: criteria provided, single submitter. Criteria: Invitae Variant Classification Sherloc (09022015). Collection method: clinical testing. Allele origin: germline.
Comment: This sequence change replaces proline, which is neutral and non-polar, with threonine, which is neutral and polar, at codon 1288 of the COL7A1 protein (p.Pro1288Thr). Information on the frequency of this variant in the gnomAD database is not available, as this variant may be reported differently in the database. This variant has not been reported in the literature in individuals affected with COL7A1-related conditions. ClinVar contains an entry for this variant (Variation ID: 1479367). Experimental studies and prediction algorithms are not available or were not evaluated, and the functional significance of this variant is currently unknown. In summary, the available evidence is currently insufficient to determine the role of this variant in disease. Therefore, it has been classified as a Variant of Uncertain Significance.

NM_000094.4(COL7A1):c.3861_3862delinsTA (p.Pro1288Thr)

Gene: COL7A1 (collagen type VII alpha 1 chain; minus strand). Cytogenetic location: 3p21.31.
Variant type: Indel.
Coding change: c.3861_3862delinsTA on transcript NM_000094.4 (MANE Select); coding-DNA positions 3861 to 3862, GC replaced by TA.
Protein change: p.Pro1288Thr; replaces proline 1288 with threonine.
Molecular consequence: missense variant.
Genome position (GRCh38, 1-based): chr3:48,585,589-48,585,590, GC replaced by TA on the plus strand (GC replaced by TA on the coding strand, the reverse complement: COL7A1 is on the minus strand). VCF-style: chr3-48585589-GC-TA. GRCh37 (hg19) VCF-style: chr3-48623022-GC-TA.
Other names: short protein forms P1288T.
Identifiers: ClinVar variation 1479367 (VCV001479367.9), dbSNP rs2107742052, ClinGen allele CA2573137291.